The following is an entry in ClinVar:

NM_001370466.1(NOD2):c.1121C>A (p.Thr374Asn)

Gene: NOD2 (nucleotide binding oligomerization domain containing 2; plus strand). Cytogenetic location: 16q12.1.
Variant type: single nucleotide variant.
Coding change: c.1121C>A on transcript NM_001370466.1 (MANE Select); coding-DNA position 1121, C replaced by A.
Protein change: p.Thr374Asn; replaces threonine 374 with asparagine.
Molecular consequence: missense variant. On other transcripts: non-coding transcript variant (1).
Genome position (GRCh38, 1-based): chr16:50,711,113, C>A. VCF-style: chr16-50711113-C-A. GRCh37 (hg19) VCF-style: chr16-50745024-C-A.
Other names: c.1121C>A, p.Thr374Asn (NM_001293557.2); c.1202C>A, p.Thr401Asn (NM_022162.3); short protein forms T374N, T401N.
Identifiers: ClinVar variation 2940541 (VCV002940541.3), dbSNP rs1964462768, ClinGen allele CA395868438.

ClinVar aggregate classification (germline): Uncertain significance (1 of 4 stars; one submission).

Conditions:
Regional enteritis. Also called: Enteritis, Granulomatous. Identifiers: MedGen C0678202, MeSH D003424.
Blau syndrome (BLAUS). Also called: ARTHROCUTANEOUVEAL GRANULOMATOSIS; GRANULOMATOSIS, FAMILIAL JUVENILE SYSTEMIC; GRANULOMATOSIS, FAMILIAL, BLAU TYPE; GRANULOMATOUS INFLAMMATORY ARTHRITIS, DERMATITIS, AND UVEITIS, FAMILIAL; JABS SYNDROME. Identifiers: Orphanet 90340, MedGen C5201146, MONDO:0008523, OMIM 186580.

Submission:

Labcorp Genetics (formerly Invitae), Labcorp
Classification: Uncertain significance for Regional enteritis; Blau syndrome. Last evaluated: 2023-05-14. Review status: criteria provided, single submitter. Criteria: Invitae Variant Classification Sherloc (09022015). Collection method: clinical testing. Allele origin: germline.
Comment: This sequence change replaces threonine, which is neutral and polar, with asparagine, which is neutral and polar, at codon 401 of the NOD2 protein (p.Thr401Asn). This variant is not present in population databases (gnomAD no frequency). This variant has not been reported in the literature in individuals affected with NOD2-related conditions. Advanced modeling of protein sequence and biophysical properties (such as structural, functional, and spatial information, amino acid conservation, physicochemical variation, residue mobility, and thermodynamic stability) performed at Invitae indicates that this missense variant is not expected to disrupt NOD2 protein function. In summary, the available evidence is currently insufficient to determine the role of this variant in disease. Therefore, it has been classified as a Variant of Uncertain Significance.